The following continues an entry in ClinVar:

NM_002693.3(POLG):c.1399G>A (p.Ala467Thr)

Gene: POLG. ClinVar aggregate classification (germline): Pathogenic/Likely pathogenic. Pathogenic (47); Likely pathogenic (1).

Submissions 43 to 62 of 62:

Laboratory for Molecular Medicine, Mass General Brigham Personalized Medicine
Classification: Pathogenic for Cerebellar ataxia infantile with progressive external ophthalmoplegia. Last evaluated: 2014-04-24. Review status: criteria provided, single submitter. Criteria: LMM Criteria. Collection method: clinical testing. Allele origin: germline. Inheritance: Autosomal recessive inheritance. Observed: 1 variant allele. Study: CSER-MedSeq.
Comment: The Ala467Thr variant in POLG has been reported in >20 individuals with mitochondrial disease in both the homozygous and compound heterozygous states, with symptoms ranging from progressive external ophthalmoplegia to intractable epilepsy to Alpers syndrome (van Goethem 2001, van Goethem 2004, Ferrari 2005, Winterthun 2005, Lax 2012, Scalais 2012, Uusimaa 2012). This variant has also been identified in 0.14% (12/8598) of European American chromosomes and 0.09% (4/4400) of African American chromosomes by the NHLBI Exome Sequencing Project (. In vitro functional studies have shown that the Ala467Thr variant leads to loss of wild-type activity and binding affinity (Chan 2005, Luoma 2005). In summary, this variant meets our criteria to be classified as pathogenic.

Courtagen Diagnostics Laboratory, Courtagen Life Sciences
Classification: Pathogenic for Progressive external ophthalmoplegia, autosomal dominant. Last evaluated: 2013-12-16. Review status: criteria provided, single submitter. Criteria: Courtagen Life Sciences Classifications. Collection method: clinical testing. Allele origin: maternal. Affected: yes.

Baylor Genetics
Classification: Pathogenic for Progressive sclerosing poliodystrophy; Mitochondrial DNA depletion syndrome 4b. Review status: criteria provided, single submitter. Criteria: ACMG Guidelines, 2015. Collection method: clinical testing. Allele origin: germline.

Centre de Biologie Pathologie Génétique, Centre Hospitalier Universitaire de Lille
Classification: Pathogenic for Neurodevelopmental delay. Review status: criteria provided, single submitter. Criteria: ACMG Guidelines, 2015. Collection method: clinical testing. Allele origin: biparental. Affected: yes.

Equipe Genetique des Anomalies du Developpement, Université de Bourgogne
Classification: Pathogenic for Progressive sclerosing poliodystrophy. Review status: criteria provided, single submitter. Criteria: ACMG Guidelines, 2015. Collection method: clinical testing. Allele origin: maternal. Affected: yes.

UNC Molecular Genetics  Laboratory, University of North Carolina at Chapel Hill
Classification: Pathogenic for POLG-related disorders. Review status: criteria provided, single submitter. Criteria: ACMG Guidelines, 2015. Collection method: research. Allele origin: germline. Affected: no. Observed: 1 variant allele. Study: NSIGHT-NC NEXUS.
Comment: The POLG c.1399G>A (p.A467T) variant is the most common POLG variant associated with autosomal recessive Alpers-Huttenlocher syndrome (characterized by seizures, loss of mental and movement abilities, and liver disease PMID: 20301791).

carrier finding

Genetic Services Laboratory, University of Chicago
Classification: Pathogenic. Last evaluated: 2022-09-03. Review status: no assertion criteria provided. Collection method: clinical testing. Allele origin: germline. Affected: yes. Not counted in ClinVar's aggregate classification.
Comment: DNA sequence analysis of the POLG gene demonstrated a sequence change, c.1399G>A, in exon 7 that results in an amino acid change, p.Ala467Thr. The p.Ala467Thr change affects a highly conserved amino acid residue located in a domain of the POLG protein that is known to be functional. In-silico pathogenicity prediction tools (SIFT, PolyPhen2, Align GVGD, REVEL) provide contradictory results for the p.Ala467Thr substitution. This pathogenic sequence change has previously been described as the most common POLG variant associated with autosomal recessive Alpers-Huttenlocher syndrome (PMID: 20301791). This sequence change has been associated with reduced enzyme activity (PMID: 20301791). This sequence change has been described in the gnomAD database with a frequency of 0.05% in the overall population (dbSNP rs113994095). These collective evidences indicate that this sequence change is pathogenic.

Mitochondrial Research Group, Newcastle University
Classification: Pathogenic for Mitochondrial disease. Last evaluated: 2017-04-07. Review status: no assertion criteria provided. Collection method: clinical testing. Allele origin: germline. Affected: yes. Observed: 1 variant allele. Not counted in ClinVar's aggregate classification.

OMIM
Classification: Pathogenic for PROGRESSIVE EXTERNAL OPHTHALMOPLEGIA WITH MITOCHONDRIAL DNA DELETIONS, AUTOSOMAL RECESSIVE 1. Last evaluated: 2011-02-11. Review status: no assertion criteria provided. Collection method: literature only. Allele origin: germline. Not counted in ClinVar's aggregate classification.

OMIM
Classification: Pathogenic for SENSORY ATAXIC NEUROPATHY, DYSARTHRIA, AND OPHTHALMOPARESIS. Last evaluated: 2011-02-11. Review status: no assertion criteria provided. Collection method: literature only. Allele origin: germline. Not counted in ClinVar's aggregate classification.

OMIM
Classification: Pathogenic for SPINOCEREBELLAR ATAXIA WITH EPILEPSY. Last evaluated: 2011-02-11. Review status: no assertion criteria provided. Collection method: literature only. Allele origin: germline. Not counted in ClinVar's aggregate classification.

OMIM
Classification: Pathogenic for MITOCHONDRIAL DNA DEPLETION SYNDROME 4A (ALPERS TYPE). Last evaluated: 2011-02-11. Review status: no assertion criteria provided. Collection method: literature only. Allele origin: germline. Not counted in ClinVar's aggregate classification.

Clinical Genetics DNA and cytogenetics Diagnostics Lab, Erasmus MC, Erasmus Medical Center
Classification: Pathogenic. Review status: no assertion criteria provided. Collection method: clinical testing. Allele origin: germline. Affected: yes. Study: VKGL Data-share Consensus. Not counted in ClinVar's aggregate classification.

Diagnostic Laboratory, Department of Genetics, University Medical Center Groningen
Classification: Pathogenic. Review status: no assertion criteria provided. Collection method: clinical testing. Allele origin: germline. Affected: yes. Study: VKGL Data-share Consensus. Not counted in ClinVar's aggregate classification.

GeneReviews
No classification provided. Condition: Mitochondrial disease. Review status: no classification provided. Collection method: literature only. Allele origin: germline. Not counted in ClinVar's aggregate classification.

Genome Diagnostics Laboratory, Amsterdam University Medical Center
Classification: Pathogenic. Review status: no assertion criteria provided. Collection method: clinical testing. Allele origin: germline. Affected: yes. Study: VKGL Data-share Consensus. Not counted in ClinVar's aggregate classification.

Joint Genome Diagnostic Labs from Nijmegen and Maastricht, Radboudumc and MUMC+
Classification: Pathogenic. Review status: no assertion criteria provided. Collection method: clinical testing. Allele origin: germline. Affected: yes. Study: VKGL Data-share Consensus. Not counted in ClinVar's aggregate classification.

Laboratory of Diagnostic Genome Analysis, Leiden University Medical Center (LUMC)
Classification: Pathogenic. Review status: no assertion criteria provided. Collection method: clinical testing. Allele origin: germline. Affected: yes. Study: VKGL Data-share Consensus. Not counted in ClinVar's aggregate classification.

Cambridge Genomics Laboratory, East Genomic Laboratory Hub, NHS Genomic Medicine Service
Classification: Likely benign for Intellectual disability. Last evaluated: 2019-04-17. Review status: flagged submission. Criteria: ACGS Best Practice Guidelines for Variant Classification in Rare Disease 2020. Collection method: clinical testing. Allele origin: germline. Affected: yes. Observed: 1 variant allele. Not counted in ClinVar's aggregate classification.
ClinVar note: Reason: Outlier claim with insufficient supporting evidence

Practice for Gait Abnormalities, David Pomarino, Competency Network Toe Walking C/o Practice Pomarino
Classification: Pathogenic for Tip-toe gait. Last evaluated: 2018-11-08. Review status: flagged submission. Criteria: ACMG Guidelines, 2015. Collection method: clinical testing. Allele origin: unknown. Affected: yes. Not counted in ClinVar's aggregate classification.
Comment: Hereditary motor sensory neuropathy (HMSN), also known as Charcot-Marie-Tooth Disease (CMT), is the most commonly inherited peripheral polyneuropathy. It constitutes a group of inherited, progressive, motor and sensory peripheral nerve disorders with properties of demyelination, axonal degeneration, or both. It is classified by clinical characteristics, modes of inheritance, electrophysiologic features, metabolic defects, and specific gene markers. Our patients all walk on tiptoe, so they show similar symptoms. When we genetically test them with our toe walking panel, we find that around 90 per cent of them have a genetic variant that explains their toe walking. These can be assigned, for example, to the area of myopathies (such as variants of the COL6A3 gene), the area of hereditary neuropathies (such as variants of the KMT2C gene) or the area of metabolic diseases (such as variants of the PYGM gene). In a smaller group of patients with almost identical symptoms, no abnormality is found in the genes of our panel, but spastic paraplegia can be detected. In another small group of our toe walkers, no abnormalities can be detected in the genes analysed in our toe walking panel, nor do they suffer from spastic paraplegia, as is also the case with healthy children. In contrast to these, however, they show a tiptoe gait. These patients suffer from infantile cerebral palsy, in which toe walking can also be observed.
ClinVar note: Notes: This gene has insufficient supporting evidence for isolated tip-toe gait.
ClinVar note: Reason: P/LP classification for a variant in a gene with insufficient evidence for a gene-disease relationship

Literature cited by the submitters: PubMed 11431686 (cited by 13 submitters); PubMed 15122711 (cited by 7 submitters); PubMed 15917273 (cited by 10 submitters); PubMed 20691285 (cited by 6 submitters); PubMed 25286830 (cited by 4 submitters); PubMed 26735972 (cited by 7 submitters); PubMed 16024923 (cited by 13 submitters); PubMed 20301791 (cited by 5 submitters); PubMed 39417332 (cited by Center for Genomic Medicine, Rigshospitalet, Copenhagen University Hospital); PubMed 15477547 (cited by 3 submitters); PubMed 21880868 (cited by 4 submitters).